The following is an entry in ClinVar:

ClinVar aggregate classification (germline): Uncertain significance (1 of 4 stars; one submission).

Conditions:
Fanconi anemia (FA). Also called: Fanconi's anemia. Identifiers: Orphanet 84, MedGen C0015625, MeSH D005199, MONDO:0019391.

Submission:

Labcorp Genetics (formerly Invitae), Labcorp
Classification: Uncertain significance for Fanconi anemia. Last evaluated: 2022-06-15. Review status: criteria provided, single submitter. Criteria: Invitae Variant Classification Sherloc (09022015). Collection method: clinical testing. Allele origin: germline.
Comment: In summary, the available evidence is currently insufficient to determine the role of this variant in disease. Therefore, it has been classified as a Variant of Uncertain Significance. Algorithms developed to predict the effect of missense changes on protein structure and function are either unavailable or do not agree on the potential impact of this missense change (SIFT: "Tolerated"; PolyPhen-2: "Probably Damaging"; Align-GVGD: "Class C0"). This variant has not been reported in the literature in individuals affected with SLX4-related conditions. This variant is not present in population databases (gnomAD no frequency). This sequence change replaces glutamic acid, which is acidic and polar, with lysine, which is basic and polar, at codon 1159 of the SLX4 protein (p.Glu1159Lys).

NM_032444.4(SLX4):c.3475G>A (p.Glu1159Lys)

Gene: SLX4 (SLX4 structure-specific endonuclease subunit; minus strand). Cytogenetic location: 16p13.3.
Variant type: single nucleotide variant.
Coding change: c.3475G>A on transcript NM_032444.4 (MANE Select); coding-DNA position 3475, G replaced by A.
Protein change: p.Glu1159Lys; replaces glutamic acid 1159 with lysine.
Molecular consequence: missense variant.
Genome position (GRCh38, 1-based): chr16:3,590,163, C>T on the plus strand (G>A on the coding strand, the complement: SLX4 is on the minus strand). VCF-style: chr16-3590163-C-T. GRCh37 (hg19) VCF-style: chr16-3640164-C-T.
Other names: short protein forms E1159K.
Identifiers: ClinVar variation 2197054 (VCV002197054.4), dbSNP rs2548212715, ClinGen allele CA394520058.